The following is an entry in ClinVar:

ClinVar aggregate classification (germline): Likely benign (1 of 4 stars; one submission).

Conditions:
CABP4-related disorder. Also called: CABP4-related condition.

gnomAD v4.1: 25 of 1,613,866 alleles (0.0015%); highest among the groups gnomAD compares: Admixed American, 0.01%; no homozygotes.

Submission:

PreventionGenetics, part of Exact Sciences
Classification: Likely benign for CABP4-related condition. Last evaluated: 2025-11-03. Review status: criteria provided, single submitter. Criteria: ACMG Guidelines, 2015. Collection method: clinical testing. Allele origin: germline.
Comment: This variant is classified as likely benign based on ACMG/AMP sequence variant interpretation guidelines (Richards et al. 2015 PMID: 25741868, with internal and published modifications).

NM_145200.5(CABP4):c.*9G>A

Gene: CABP4 (calcium binding protein 4; plus strand). Cytogenetic location: 11q13.2.
Variant type: single nucleotide variant.
Coding change: c.*9G>A on transcript NM_145200.5 (MANE Select); 9 bases downstream of the stop codon, G replaced by A.
Molecular consequence: 3 prime UTR variant. On other transcripts: non-coding transcript variant (1).
Genome position (GRCh38, 1-based): chr11:67,458,668, G>A. VCF-style: chr11-67458668-G-A. GRCh37 (hg19) VCF-style: chr11-67226139-G-A.
Other names: c.*9G>A (NM_001300895.3, NM_001300896.3, NM_001379183.1).
Identifiers: ClinVar variation 4980724 (VCV004980724.1).